The following is an entry in ClinVar:

NM_000138.5(FBN1):c.1552G>A (p.Gly518Arg)

Gene: FBN1 (fibrillin 1; minus strand). Cytogenetic location: 15q21.1.
Variant type: single nucleotide variant.
Coding change: c.1552G>A on transcript NM_000138.5 (MANE Select); coding-DNA position 1552, G replaced by A.
Protein change: p.Gly518Arg; replaces glycine 518 with arginine.
Molecular consequence: missense variant.
Genome position (GRCh38, 1-based): chr15:48,513,585, C>T on the plus strand (G>A on the coding strand, the complement: FBN1 is on the minus strand). VCF-style: chr15-48513585-C-T. GRCh37 (hg19) VCF-style: chr15-48805782-C-T.
Other names: p.G518R:GGA>AGA; short protein forms G518R.
Identifiers: ClinVar variation 199970 (VCV000199970.4), dbSNP rs794728168, ClinGen allele CA012241.

ClinVar aggregate classification (germline): Conflicting classifications of pathogenicity. Review status: criteria provided, conflicting classifications (1 of 4 stars). 2 submissions from 2 submitters: Likely pathogenic (1); Uncertain significance (1). Last evaluated 2024-12-10.

Conditions:
Marfan syndrome (MFS). Also called: Marfan syndrome, classic; FBN1-Related Marfan Syndrome; Marfan syndrome type 1; Marfan's syndrome; MARFAN SYNDROME, TYPE I. Identifiers: Orphanet 284963, Orphanet 558, MedGen C0024796, MONDO:0007947, OMIM 154700.
Familial thoracic aortic aneurysm and aortic dissection (TAAD). Also called: Thoracic aortic aneurysms and dissections. Identifiers: Orphanet 91387, MedGen C4707243, MONDO:0019625.

Submissions (2):

Labcorp Genetics (formerly Invitae), Labcorp
Classification: Uncertain significance for Marfan syndrome; Familial thoracic aortic aneurysm and aortic dissection. Last evaluated: 2024-12-10. Review status: criteria provided, single submitter. Criteria: Invitae Variant Classification Sherloc (09022015). Collection method: clinical testing. Allele origin: germline.
Comment: This sequence change replaces glycine, which is neutral and non-polar, with arginine, which is basic and polar, at codon 518 of the FBN1 protein (p.Gly518Arg). This variant is not present in population databases (gnomAD no frequency). This missense change has been observed in individual(s) with aortic dissection (internal data). ClinVar contains an entry for this variant (Variation ID: 199970). Invitae Evidence Modeling of protein sequence and biophysical properties (such as structural, functional, and spatial information, amino acid conservation, physicochemical variation, residue mobility, and thermodynamic stability) indicates that this missense variant is expected to disrupt FBN1 protein function with a positive predictive value of 95%. In summary, the available evidence is currently insufficient to determine the role of this variant in disease. Therefore, it has been classified as a Variant of Uncertain Significance.

GeneDx
Classification: Likely pathogenic. Last evaluated: 2014-06-22. Review status: criteria provided, single submitter. Criteria: GeneDx Variant Classification (06012015). Collection method: clinical testing. Allele origin: germline. Affected: yes.
Comment: p.Gly518Arg (GGA>AGA): c.1552 G>A The G518R variant in the FBN1 gene has not been published as a mutation or been reported as a benign polymorphism to our knowledge. This variant was not observed in approximately 6,500 individuals of European and African American ancestry in the NHLBI Exome Sequencing Project, indicating it is not a common benign variant in these populations. The G518R variant is a non-conservative amino acid substitution, which is likely to impact secondary protein structure as these residues differ in polarity, charge, size and/or other properties. This substitution occurs at a position that is conserved across species. In silico analysis predicts this variant is probably damaging to the protein structure/function. Moreover, missense mutations in nearby residues (Y519C, C528Y) have been reported in association with Marfan syndrome, supporting the functional importance of this region of the protein.In summary, while this variant is a strong candidate for a pathogenic mutation, the possibility that it is a benign variant cannot be excluded. The pathogenic role of this variant would be further supported if it co-segregates with a FBN1-related phenotype. The variant is found in TAAD panel(s).